The following is an entry in ClinVar:

NM_012431.3(SEMA3E):c.1290A>T (p.Lys430Asn)

Gene: SEMA3E (semaphorin 3E; minus strand). Cytogenetic location: 7q21.11.
Variant type: single nucleotide variant.
Coding change: c.1290A>T on transcript NM_012431.3 (MANE Select); coding-DNA position 1290, A replaced by T.
Protein change: p.Lys430Asn; replaces lysine 430 with asparagine.
Molecular consequence: missense variant.
Genome position (GRCh38, 1-based): chr7:83,400,104, T>A on the plus strand (A>T on the coding strand, the complement: SEMA3E is on the minus strand). VCF-style: chr7-83400104-T-A. GRCh37 (hg19) VCF-style: chr7-83029420-T-A.
Other names: c.1110A>T, p.Lys370Asn (NM_001178129.2); short protein forms K370N, K430N.
Identifiers: ClinVar variation 850659 (VCV000850659.12), dbSNP rs61729605, ClinGen allele CA4322074.

ClinVar aggregate classification (germline): Uncertain significance. Review status: criteria provided, multiple submitters, no conflicts (2 of 4 stars). 3 submissions from 3 submitters: Uncertain significance (2). 1 of the submissions does not count toward it. Last evaluated 2025-12-06.

Conditions:
SEMA3E-related disorder. Also called: SEMA3E-related condition.
CHARGE syndrome (CHARGE). Also called: CHARGE ASSOCIATION--COLOBOMA, HEART ANOMALY, CHOANAL ATRESIA, RETARDATION, GENITAL AND EAR ANOMALIES; Coloboma, heart anomaly, choanal atresia, retardation, genital and ear anomalies; CHARGE association; Hall-Hittner syndrome; Hittner Hirsch Kreh syndrome. Identifiers: Orphanet 138, MedGen C0265354, MONDO:0008965.
Hypogonadotropic hypogonadism 7 with or without anosmia (HH7). Also called: HYPOGONADOTROPIC HYPOGONADISM 7 WITHOUT ANOSMIA; GNRHR-Related GnRH Deficiency. Identifiers: Orphanet 432, MedGen C0342384, MONDO:0007794, OMIM 146110.

Allele frequency attached by ClinVar (database versions not stated): TOPMed 0.00002; gnomAD exomes 0.00003 and 0.00008; ExAC 0.00011.
gnomAD v4.1: 45 of 1,614,110 alleles (0.0028%); highest among the groups gnomAD compares: South Asian, 0.043%; 1 homozygote.

Submissions (3):

Labcorp Genetics (formerly Invitae), Labcorp
Classification: Uncertain significance for CHARGE syndrome. Last evaluated: 2025-12-06. Review status: criteria provided, single submitter. Criteria: Invitae Variant Classification Sherloc (09022015). Collection method: clinical testing. Allele origin: germline.
Comment: This sequence change replaces lysine, which is basic and polar, with asparagine, which is neutral and polar, at codon 430 of the SEMA3E protein (p.Lys430Asn). This variant is present in population databases (rs61729605, gnomAD 0.06%), and has an allele count higher than expected for a pathogenic variant. This variant has not been reported in the literature in individuals affected with SEMA3E-related conditions. ClinVar contains an entry for this variant (Variation ID: 850659). An algorithm developed to predict the effect of missense changes on protein structure and function (PolyPhen-2) suggests that this variant is likely to be tolerated. In summary, the available evidence is currently insufficient to determine the role of this variant in disease. Therefore, it has been classified as a Variant of Uncertain Significance.

Fulgent Genetics
Classification: Uncertain significance for Hypogonadotropic hypogonadism 7 with or without anosmia; CHD7-related CHARGE syndrome. Last evaluated: 2021-12-10. Review status: criteria provided, single submitter. Criteria: ACMG Guidelines, 2015. Collection method: clinical testing. Allele origin: unknown.

PreventionGenetics, part of Exact Sciences
Classification: Likely benign for SEMA3E-related condition. Last evaluated: 2022-10-20. Review status: no assertion criteria provided. Collection method: clinical testing. Allele origin: germline. Not counted in ClinVar's aggregate classification.
Comment: This variant is classified as likely benign based on ACMG/AMP sequence variant interpretation guidelines (Richards et al. 2015 PMID: 25741868, with internal and published modifications).